The following is an entry in ClinVar:

NM_001378454.1(ALMS1):c.1343C>T (p.Thr448Ile)

Gene: ALMS1 (ALMS1 centrosome and basal body associated protein; plus strand). Cytogenetic location: 2p13.1.
Variant type: single nucleotide variant.
Coding change: c.1343C>T on transcript NM_001378454.1 (MANE Select); coding-DNA position 1343, C replaced by T.
Protein change: p.Thr448Ile; replaces threonine 448 with isoleucine.
Molecular consequence: missense variant.
Genome position (GRCh38, 1-based): chr2:73,432,202, C>T. VCF-style: chr2-73432202-C-T. GRCh37 (hg19) VCF-style: chr2-73659330-C-T.
Other names: c.1346C>T, p.Thr449Ile (NM_015120.4); short protein forms T448I, T449I.
Identifiers: ClinVar variation 2080101 (VCV002080101.1), dbSNP rs774335945, ClinGen allele CA1713130.

ClinVar aggregate classification (germline): Uncertain significance (1 of 4 stars; one submission).

Conditions:
Alstrom syndrome (ALMS). Identifiers: Orphanet 64, MedGen C0268425, MONDO:0008763, OMIM 203800.

gnomAD v4.1: 5 of 1,611,904 alleles (0.00031%); highest among the groups gnomAD compares: Non-Finnish European, 0.00042%; no homozygotes.

Submission:

Labcorp Genetics (formerly Invitae), Labcorp
Classification: Uncertain significance for Alstrom syndrome. Last evaluated: 2022-05-24. Review status: criteria provided, single submitter. Criteria: Invitae Variant Classification Sherloc (09022015). Collection method: clinical testing. Allele origin: germline.
Comment: This sequence change replaces threonine, which is neutral and polar, with isoleucine, which is neutral and non-polar, at codon 449 of the ALMS1 protein (p.Thr449Ile). This variant is present in population databases (rs774335945, gnomAD 0.002%). This variant has not been reported in the literature in individuals affected with ALMS1-related conditions. Algorithms developed to predict the effect of sequence changes on RNA splicing suggest that this variant may disrupt the consensus splice site. In summary, the available evidence is currently insufficient to determine the role of this variant in disease. Therefore, it has been classified as a Variant of Uncertain Significance.